The following is an entry in ClinVar:

ClinVar aggregate classification (germline): Pathogenic/Likely pathogenic. Review status: criteria provided, multiple submitters, no conflicts (2 of 4 stars). 3 submissions from 3 submitters: Pathogenic (1); Likely pathogenic (2). Last evaluated 2026-01-24.

Conditions:
Senior-Loken syndrome 7 (SLSN7). Identifiers: Orphanet 3156, MedGen C3150877, MONDO:0013326, OMIM 613615.
Bardet-Biedl syndrome 16 (BBS16). Identifiers: Orphanet 110, MedGen C3889474, MONDO:0014444, OMIM 615993.

Submissions (3):

Labcorp Genetics (formerly Invitae), Labcorp
Classification: Pathogenic for Bardet-Biedl syndrome 16; Senior-Loken syndrome 7. Last evaluated: 2026-01-24. Review status: criteria provided, single submitter. Criteria: Invitae Variant Classification Sherloc (09022015). Collection method: clinical testing. Allele origin: germline.
Comment: This sequence change creates a premature translational stop signal (p.Thr329Asnfs*10) in the SDCCAG8 gene. It is expected to result in an absent or disrupted protein product. Loss-of-function variants in SDCCAG8 are known to be pathogenic (PMID: 20835237, 22190896). This variant is not present in population databases (gnomAD no frequency). This premature translational stop signal has been observed in individual(s) with Bardet-Biedl syndrome (PMID: 39533427). ClinVar contains an entry for this variant (Variation ID: 3582650). Algorithms developed to predict the effect of sequence changes on RNA splicing suggest that this variant may disrupt the consensus splice site. For these reasons, this variant has been classified as Pathogenic.

Revvity Omics, Revvity
Classification: Likely pathogenic. Last evaluated: 2024-09-17. Review status: criteria provided, single submitter. Criteria: ACMG Guidelines, 2015. Collection method: clinical testing. Allele origin: germline.

Fulgent Genetics
Classification: Likely pathogenic for Senior-Loken syndrome 7; Bardet-Biedl syndrome 16. Last evaluated: 2024-01-18. Review status: criteria provided, single submitter. Criteria: ACMG Guidelines, 2015. Collection method: clinical testing. Allele origin: germline.

Literature cited by the submitters: PubMed 20835237 (cited by Labcorp Genetics (formerly Invitae), Labcorp); PubMed 22190896 (cited by Labcorp Genetics (formerly Invitae), Labcorp); PubMed 39533427 (cited by Labcorp Genetics (formerly Invitae), Labcorp).

NM_006642.5(SDCCAG8):c.985dup (p.Thr329fs)

Gene: SDCCAG8 (SHH signaling and ciliogenesis regulator SDCCAG8; plus strand). Cytogenetic location: 1q43.
Variant type: Duplication.
Coding change: c.985dup on transcript NM_006642.5 (MANE Select); coding-DNA position 985, one base duplicated (A; older notation c.985dupA).
Protein change: p.Thr329fs; shifts the reading frame from threonine 329.
Molecular consequence: frameshift variant.
Genome position (GRCh38, 1-based): chr1:243,316,810, A duplicated. VCF-style (leftmost placement, unchanged base first): chr1-243316809-T-TA. GRCh37 (hg19) VCF-style: chr1-243480111-T-TA.
Other names: c.82dup, p.Thr28fs (NM_001350246.2, NM_001350247.2, NM_001350251.2); c.1081dup, p.Thr361fs (NM_001350248.2); c.691dup, p.Thr231fs (NM_001350249.2); short protein forms T28fs, T329fs, T231fs, T361fs.
Identifiers: ClinVar variation 3582650 (VCV003582650.3).